The following is an entry in ClinVar:

ClinVar aggregate classification (germline): Uncertain significance. Review status: criteria provided, multiple submitters, no conflicts (2 of 4 stars). 2 submissions from 2 submitters: Uncertain significance (2). Last evaluated 2025-10-02.

Conditions:
Cardiovascular phenotype. Identifiers: MedGen CN230736.

gnomAD v4.1: 6 of 1,613,906 alleles (0.00037%); highest among the groups gnomAD compares: Middle Eastern, 0.016%; no homozygotes.

Submissions (2):

Labcorp Genetics (formerly Invitae), Labcorp
Classification: Uncertain significance. Last evaluated: 2025-10-02. Review status: criteria provided, single submitter. Criteria: Invitae Variant Classification Sherloc (09022015). Collection method: clinical testing. Allele origin: germline.
Comment: This sequence change replaces serine, which is neutral and polar, with arginine, which is basic and polar, at codon 251 of the ABCA1 protein (p.Ser251Arg). This variant is not present in population databases (gnomAD no frequency). This variant has not been reported in the literature in individuals affected with ABCA1-related conditions. ClinVar contains an entry for this variant (Variation ID: 3023019). Invitae Evidence Modeling of protein sequence and biophysical properties (such as structural, functional, and spatial information, amino acid conservation, physicochemical variation, residue mobility, and thermodynamic stability) indicates that this missense variant is not expected to disrupt ABCA1 protein function with a negative predictive value of 95%. In summary, the available evidence is currently insufficient to determine the role of this variant in disease. Therefore, it has been classified as a Variant of Uncertain Significance.

Ambry Genetics
Classification: Uncertain significance for Cardiovascular phenotype. Last evaluated: 2023-11-09. Review status: criteria provided, single submitter. Criteria: Ambry Variant Classification Scheme 2023. Collection method: clinical testing. Allele origin: germline.
Comment: The p.S251R variant (also known as c.753C>G), located in coding exon 7 of the ABCA1 gene, results from a C to G substitution at nucleotide position 753. The serine at codon 251 is replaced by arginine, an amino acid with dissimilar properties. This amino acid position is conserved. In addition, this alteration is predicted to be tolerated by in silico analysis. Since supporting evidence is limited at this time, the clinical significance of this alteration remains unclear.

NM_005502.4(ABCA1):c.753C>G (p.Ser251Arg)

Gene: ABCA1 (ATP binding cassette subfamily A member 1; minus strand). Cytogenetic location: 9q31.1.
Variant type: single nucleotide variant.
Coding change: c.753C>G on transcript NM_005502.4 (MANE Select); coding-DNA position 753, C replaced by G.
Protein change: p.Ser251Arg; replaces serine 251 with arginine.
Molecular consequence: missense variant.
Genome position (GRCh38, 1-based): chr9:104,845,537, G>C on the plus strand (C>G on the coding strand, the complement: ABCA1 is on the minus strand). VCF-style: chr9-104845537-G-C. GRCh37 (hg19) VCF-style: chr9-107607818-G-C.
Other names: c.753C>G (NM_005502.3); short protein forms S251R.
Identifiers: ClinVar variation 3023019 (VCV003023019.3), dbSNP rs2538224961, ClinGen allele CA374330408.